The following is an entry in ClinVar:

NM_004465.2(FGF10):c.41C>T (p.Pro14Leu)

Gene: FGF10 (fibroblast growth factor 10; minus strand). Cytogenetic location: 5p12.
Variant type: single nucleotide variant.
Coding change: c.41C>T on transcript NM_004465.2 (MANE Select); coding-DNA position 41, C replaced by T.
Protein change: p.Pro14Leu; replaces proline 14 with leucine.
Molecular consequence: missense variant.
Genome position (GRCh38, 1-based): chr5:44,388,642, G>A on the plus strand (C>T on the coding strand, the complement: FGF10 is on the minus strand). VCF-style: chr5-44388642-G-A. GRCh37 (hg19) VCF-style: chr5-44388744-G-A.
Other names: short protein forms P14L.
Identifiers: ClinVar variation 2155164 (VCV002155164.5), dbSNP rs148032639, ClinGen allele CA3258589.

ClinVar aggregate classification (germline): Uncertain significance. Review status: criteria provided, multiple submitters, no conflicts (2 of 4 stars). 2 submissions from 2 submitters: Uncertain significance (2). Last evaluated 2025-09-28.

Conditions:
Inborn genetic diseases. Identifiers: MedGen C0950123, MeSH D030342.

Allele frequency attached by ClinVar (database versions not stated): gnomAD exomes 0.00001; ExAC 0.00005; ESP Exome Variant Server 0.00008; TOPMed 0.00013; gnomAD 0.00015.
gnomAD v4.1: 32 of 1,613,982 alleles (0.002%); highest among the groups gnomAD compares: African/African-American, 0.04%; no homozygotes.

Submissions (2):

Ambry Genetics
Classification: Uncertain significance for Inborn genetic diseases. Last evaluated: 2025-09-28. Review status: criteria provided, single submitter. Criteria: Ambry Variant Classification Scheme 2023. Collection method: clinical testing. Allele origin: germline.

Labcorp Genetics (formerly Invitae), Labcorp
Classification: Uncertain significance. Last evaluated: 2025-06-12. Review status: criteria provided, single submitter. Criteria: Invitae Variant Classification Sherloc (09022015). Collection method: clinical testing. Allele origin: germline.
Comment: This sequence change replaces proline, which is neutral and non-polar, with leucine, which is neutral and non-polar, at codon 14 of the FGF10 protein (p.Pro14Leu). This variant is present in population databases (rs148032639, gnomAD 0.04%). This variant has not been reported in the literature in individuals affected with FGF10-related conditions. ClinVar contains an entry for this variant (Variation ID: 2155164). An algorithm developed to predict the effect of missense changes on protein structure and function (PolyPhen-2) suggests that this variant is likely to be tolerated. In summary, the available evidence is currently insufficient to determine the role of this variant in disease. Therefore, it has been classified as a Variant of Uncertain Significance.